The following is an entry in ClinVar:

NM_001105206.3(LAMA4):c.422+313A>G

Gene: LAMA4 (laminin subunit alpha 4; minus strand). Cytogenetic location: 6q21.
Variant type: single nucleotide variant.
Coding change: c.422+313A>G on transcript NM_001105206.3 (MANE Select); 313 bases into the intron after coding-DNA position 422, A replaced by G.
Molecular consequence: intron variant.
Genome position (GRCh38, 1-based): chr6:112,206,708, T>C on the plus strand (A>G on the coding strand, the complement: LAMA4 is on the minus strand). VCF-style: chr6-112206708-T-C. GRCh37 (hg19) VCF-style: chr6-112527909-T-C.
Other names: c.422+313A>G (NM_002290.5, NM_001105207.3).
Identifiers: ClinVar variation 671852 (VCV000671852.1), dbSNP rs77759681, ClinGen allele CA144890847.
Genomic context (GRCh38, chr6:112,206,708, plus strand): 5'-GAGGCAATATTACTGAAAATATGATATTATAATGAGTCTGTTGGGATTACCAGTTGTGAT[T>C]GCTCTAGGTCAAGAGAAAGTCAAGAAAAGATGAGACTATCCTTGCTTATAAAACTTAGGA-3'

ClinVar aggregate classification (germline): Benign (1 of 4 stars; one submission).

Allele frequency attached by ClinVar (database versions not stated): 1000 Genomes Project 0.05711; gnomAD 0.05908; TOPMed 0.06109; 1000 Genomes Project 30x 0.06184.
gnomAD v4.1: 8,302 of 152,206 alleles (5.5%); highest among the groups gnomAD compares: African/African-American, 19%; 708 homozygotes.

Submission:

GeneDx
Classification: Benign. Last evaluated: 2018-06-19. Review status: criteria provided, single submitter. Criteria: GeneDx Variant Classification (06012015). Collection method: clinical testing. Allele origin: germline. Affected: yes.
Comment: This variant is considered likely benign or benign based on one or more of the following criteria: it is a conservative change, it occurs at a poorly conserved position in the protein, it is predicted to be benign by multiple in silico algorithms, and/or has population frequency not consistent with disease.